The following is an entry in ClinVar:

NM_002875.5(RAD51):c.167C>T (p.Pro56Leu)

Gene: RAD51 (RAD51 recombinase; plus strand). Cytogenetic location: 15q15.1.
Variant type: single nucleotide variant.
Coding change: c.167C>T on transcript NM_002875.5 (MANE Select); coding-DNA position 167, C replaced by T.
Protein change: p.Pro56Leu; replaces proline 56 with leucine.
Molecular consequence: missense variant.
Genome position (GRCh38, 1-based): chr15:40,701,143, C>T. VCF-style: chr15-40701143-C-T. GRCh37 (hg19) VCF-style: chr15-40993341-C-T.
Other names: c.167C>T, p.Pro56Leu (NM_001164269.2, NM_001164270.2, NM_133487.4); c.167C>T (NM_001164269.1); short protein forms P56L.
Identifiers: ClinVar variation 1777870 (VCV001777870.4), dbSNP rs1894963068, ClinGen allele CA391746111.

ClinVar aggregate classification (germline): Uncertain significance. Review status: criteria provided, single submitter (1 of 4 stars). 2 submissions from 2 submitters: Uncertain significance (1). 1 of the submissions does not count toward it. Last evaluated 2024-01-23.

Conditions:
RAD51-related disorder. Also called: RAD51-related disorders; RAD51-related condition.
Inborn genetic diseases. Identifiers: MedGen C0950123, MeSH D030342.

Allele frequency attached by ClinVar (database versions not stated): TOPMed below 0.00001.

Submissions (2):

Ambry Genetics
Classification: Uncertain significance for Inborn genetic diseases. Last evaluated: 2024-01-23. Review status: criteria provided, single submitter. Criteria: Ambry Variant Classification Scheme 2023. Collection method: clinical testing. Allele origin: germline.
Comment: The p.P56L variant (also known as c.167C>T), located in coding exon 2 of the RAD51 gene, results from a C to T substitution at nucleotide position 167. The proline at codon 56 is replaced by leucine, an amino acid with similar properties. This amino acid position is conserved. In addition, the in silico prediction for this alteration is inconclusive. Since supporting evidence is limited at this time, the clinical significance of this alteration remains unclear.

PreventionGenetics, part of Exact Sciences
Classification: Uncertain significance for RAD51-related condition. Last evaluated: 2024-01-23. Review status: no assertion criteria provided. Collection method: clinical testing. Allele origin: germline. Not counted in ClinVar's aggregate classification.
Comment: The RAD51 c.167C>T variant is predicted to result in the amino acid substitution p.Pro56Leu. To our knowledge, this variant has not been reported in the literature or in a large population database, indicating this variant is rare. At this time, the clinical significance of this variant is uncertain due to the absence of conclusive functional and genetic evidence.